The following is an entry in ClinVar:

NM_170606.3(KMT2C):c.11363C>T (p.Ser3788Phe)

Gene: KMT2C (lysine methyltransferase 2C; minus strand). Cytogenetic location: 7q36.1.
Variant type: single nucleotide variant.
Coding change: c.11363C>T on transcript NM_170606.3 (MANE Select); coding-DNA position 11363, C replaced by T.
Protein change: p.Ser3788Phe; replaces serine 3788 with phenylalanine.
Molecular consequence: missense variant.
Genome position (GRCh38, 1-based): chr7:152,162,214, G>A on the plus strand (C>T on the coding strand, the complement: KMT2C is on the minus strand). VCF-style: chr7-152162214-G-A. GRCh37 (hg19) VCF-style: chr7-151859299-G-A.
Other names: c.11363C>T (NM_170606.2); short protein forms S3788F.
Identifiers: ClinVar variation 2896719 (VCV002896719.5), dbSNP rs770450253, ClinGen allele CA4579114.
Genomic context (GRCh38, chr7:152,162,214, plus strand): 5'-TTATCCTTTGTACAGTCATCTTCTGAACAAATACTGCCCTCAGGTTTTTGATTCAAAAGA[G>A]AAGATGACTTTTTATTTTTCAACAAGTGTTTCAGAAGTTCATTCCCTGAGTCTCCTTTGG-3'
Protein context (NP_733751.2, residues 3778-3798): KHLLKNKKSS[Ser3788Phe]LLNQKPEGSI

ClinVar aggregate classification (germline): Likely benign. Review status: criteria provided, multiple submitters, no conflicts (2 of 4 stars). 3 submissions from 3 submitters: Likely benign (3). Last evaluated 2025-08-12.

Conditions:
Inborn genetic diseases. Identifiers: MedGen C0950123, MeSH D030342.

Allele frequency attached by ClinVar (database versions not stated): gnomAD 0.00002; gnomAD exomes 0.00001; TOPMed below 0.00001; ExAC 0.00001.
gnomAD v4.1: 12 of 1,613,922 alleles (0.00074%); highest among the groups gnomAD compares: Admixed American, 0.013%; no homozygotes.

Submissions (3):

Ambry Genetics
Classification: Likely benign for Inborn genetic diseases. Last evaluated: 2025-08-12. Review status: criteria provided, single submitter. Criteria: Ambry Variant Classification Scheme 2023. Collection method: clinical testing. Allele origin: germline.

Women's Health and Genetics/Laboratory Corporation of America, LabCorp
Classification: Likely benign. Last evaluated: 2025-06-10. Review status: criteria provided, single submitter. Criteria: LabCorp Variant Classification Summary - May 2015. Collection method: clinical testing. Allele origin: germline.
Comment: Variant summary: KMT2C c.11363C>T (p.Ser3788Phe) results in a non-conservative amino acid change in the encoded protein sequence. Algorithms developed to predict the effect of missense changes on protein structure and function are either unavailable or do not agree on the potential impact of this missense change. The variant allele was found at a frequency of 7.4e-06 in 1613922 control chromosomes (gnomAD v4.1). To our knowledge, no occurrence of c.11363C>T in individuals affected with Kleefstra Syndrome 2 and no experimental evidence demonstrating its impact on protein function have been reported. ClinVar contains an entry for this variant (Variation ID: 2896719). Based on the evidence outlined above, the variant was classified as likely benign.

Labcorp Genetics (formerly Invitae), Labcorp
Classification: Likely benign. Last evaluated: 2025-06-09. Review status: criteria provided, single submitter. Criteria: Invitae Variant Classification Sherloc (09022015). Collection method: clinical testing. Allele origin: germline.